The following is an entry in ClinVar:

ClinVar aggregate classification (germline): Uncertain significance. Review status: criteria provided, multiple submitters, no conflicts (2 of 4 stars). 3 submissions from 3 submitters: Uncertain significance (3). Last evaluated 2025-06-04.

Conditions:
Charcot-Marie-Tooth disease type 2. Also called: Charcot-Marie-Tooth type 2. Identifiers: Orphanet 64746, MedGen C0270914, MONDO:0018993.
Primary dilated cardiomyopathy (DCM). Also called: Dilated Cardiomyopathy. Identifiers: Orphanet 217604, MedGen C0007193, MeSH D002311, MONDO:0005021, HP:0001644. Inheritance: Various modes of inheritance.
Cardiomyopathy (CMYO). Also called: Cardiomyopathies. Identifiers: Orphanet 167848, MedGen C0878544, MONDO:0004994, HP:0001638. Inheritance: Various modes of inheritance.

gnomAD v4.1: 1 of 1,613,862 alleles (0.000062%); highest among the groups gnomAD compares: Non-Finnish European, 0.000085%; no homozygotes.

Submissions (3):

Labcorp Genetics (formerly Invitae), Labcorp
Classification: Uncertain significance for Charcot-Marie-Tooth disease type 2. Last evaluated: 2025-06-04. Review status: criteria provided, single submitter. Criteria: Invitae Variant Classification Sherloc (09022015). Collection method: clinical testing. Allele origin: germline.
Comment: This sequence change replaces alanine, which is neutral and non-polar, with serine, which is neutral and polar, at codon 500 of the LMNA protein (p.Ala500Ser). This variant is not present in population databases (gnomAD no frequency). This variant has not been reported in the literature in individuals affected with LMNA-related conditions. ClinVar contains an entry for this variant (Variation ID: 2773545). An algorithm developed to predict the effect of missense changes on protein structure and function outputs the following: PolyPhen-2: "Benign". The serine amino acid residue is found in multiple mammalian species, which suggests that this missense change does not adversely affect protein function. In summary, the available evidence is currently insufficient to determine the role of this variant in disease. Therefore, it has been classified as a Variant of Uncertain Significance.

Color Diagnostics, LLC DBA Color Health
Classification: Uncertain significance for Cardiomyopathy. Last evaluated: 2024-03-06. Review status: criteria provided, single submitter. Criteria: ACMG Guidelines, 2015. Collection method: clinical testing. Allele origin: germline.
Comment: This missense variant replaces alanine with serine at codon 500 of the LMNA protein. Computational prediction suggests that this variant may not impact protein structure and function. To our knowledge, functional studies have not been reported for this variant. This variant has not been reported in individuals affected with LMNA-related disorders in the literature. This variant has not been identified in the general population by the Genome Aggregation Database (gnomAD). The available evidence is insufficient to determine the role of this variant in disease conclusively. Therefore, this variant is classified as a Variant of Uncertain Significance.

All of Us Research Program, National Institutes of Health
Classification: Uncertain significance for Primary dilated cardiomyopathy. Last evaluated: 2023-08-23. Review status: criteria provided, single submitter. Criteria: ACMG Guidelines, 2015. Collection method: clinical testing. Allele origin: germline. Inheritance: Autosomal dominant inheritance. Observed: 1 variant allele, 1 heterozygote.
Comment: This missense variant replaces alanine with serine at codon 500 of the LMNA protein. Computational prediction suggests that this variant may not impact protein structure and function (internally defined REVEL score threshold <= 0.5, PMID: 27666373). To our knowledge, functional studies have not been reported for this variant. This variant has not been reported in individuals affected with LMNA-related disorders in the literature. This variant has not been identified in the general population by the Genome Aggregation Database (gnomAD). The available evidence is insufficient to determine the role of this variant in disease conclusively. Therefore, this variant is classified as a Variant of Uncertain Significance.

This study involves interpretation of variants in research participants for the purpose of population health screening. Participant phenotype was not available at the time of variant classification. Additional details can be found in publication PMID: 35346344, PMCID: PMC8962531

NM_170707.4(LMNA):c.1498G>T (p.Ala500Ser)

Gene: LMNA (lamin A/C; plus strand). Cytogenetic location: 1q22.
Variant type: single nucleotide variant.
Coding change: c.1498G>T on transcript NM_170707.4 (MANE Select); coding-DNA position 1498, G replaced by T.
Protein change: p.Ala500Ser; replaces alanine 500 with serine.
Molecular consequence: missense variant.
Genome position (GRCh38, 1-based): chr1:156,137,122, G>T. VCF-style: chr1-156137122-G-T. GRCh37 (hg19) VCF-style: chr1-156106913-G-T.
Other names: c.940G>T, p.Ala314Ser (NM_001406993.1, NM_001406995.1, NM_001406996.1 and 4 more transcripts); c.874G>T, p.Ala292Ser (NM_001406994.1, NM_001406999.1, NM_001407000.1 and 1 more transcripts); c.1162G>T, p.Ala388Ser (NM_001406998.1, NM_001406989.1, NM_001257374.3); c.1498G>T, p.Ala500Ser (NM_001406984.1, NM_001406985.1, NM_001406991.1 and 6 more transcripts); c.1255G>T, p.Ala419Ser (NM_001406986.1, NM_001406987.1, NM_001282624.2); c.1201G>T, p.Ala401Ser (NM_001406988.1); short protein forms A292S, A388S, A419S, A500S, A314S, A401S.
Identifiers: ClinVar variation 2773545 (VCV002773545.4), dbSNP rs996785044, ClinGen allele CA31014311.
Genomic context (GRCh38, chr1:156,137,122, plus strand): 5'-CCTTGGGTGGCGATGGGAGCGCTGGGGTAAGTGTCCTTTTCTCCTCTCCAGATCTGGGCT[G>T]CAGGAGCTGGGGCCACCCACAGCCCCCCTACCGACCTGGTGTGGAAGGCACAGAACACCT-3'
Protein context (NP_733821.1, residues 490-510): KAGQVVTIWA[Ala500Ser]GAGATHSPPT